The following is an entry in ClinVar:

ClinVar aggregate classification (germline): Uncertain significance. Review status: criteria provided, multiple submitters, no conflicts (2 of 4 stars). 2 submissions from 2 submitters: Uncertain significance (2). Last evaluated 2023-02-08.

Conditions:
Hereditary cancer-predisposing syndrome. Also called: Neoplastic Syndromes, Hereditary; Tumor predisposition; Hereditary Cancer Syndrome; Hereditary neoplastic syndrome. Identifiers: Orphanet 140162, MedGen C0027672, MeSH D009386, MONDO:0015356.
Cardiovascular phenotype. Identifiers: MedGen CN230736.

Submissions (2):

GeneDx
Classification: Uncertain significance. Last evaluated: 2023-02-08. Review status: criteria provided, single submitter. Criteria: GeneDx Variant Classification Process June 2021. Collection method: clinical testing. Allele origin: germline. Affected: yes.
Comment: Not observed at significant frequency in large population cohorts (gnomAD); In silico analysis supports that this missense variant does not alter protein structure/function; Has not been previously published as pathogenic or benign to our knowledge

Ambry Genetics
Classification: Uncertain significance for Cardiovascular phenotype; Hereditary cancer-predisposing syndrome. Last evaluated: 2021-07-23. Review status: criteria provided, single submitter. Criteria: Ambry Variant Classification Scheme 2023. Collection method: clinical testing. Allele origin: germline.
Comment: The p.S592R variant (also known as c.1776C>A), located in coding exon 15 of the LZTR1 gene, results from a C to A substitution at nucleotide position 1776. The serine at codon 592 is replaced by arginine, an amino acid with dissimilar properties. This amino acid position is poorly conserved in available vertebrate species. In addition, this alteration is predicted to be tolerated by in silico analysis. Since supporting evidence is limited at this time, the clinical significance of this alteration remains unclear.

NM_006767.4(LZTR1):c.1776C>A (p.Ser592Arg)

Gene: LZTR1 (leucine zipper like post translational regulator 1; plus strand). Cytogenetic location: 22q11.21.
Variant type: single nucleotide variant.
Coding change: c.1776C>A on transcript NM_006767.4 (MANE Select); coding-DNA position 1776, C replaced by A.
Protein change: p.Ser592Arg; replaces serine 592 with arginine.
Molecular consequence: missense variant.
Genome position (GRCh38, 1-based): chr22:20,994,718, C>A. VCF-style: chr22-20994718-C-A. GRCh37 (hg19) VCF-style: chr22-21349007-C-A.
Other names: short protein forms S592R.
Identifiers: ClinVar variation 1779876 (VCV001779876.3), dbSNP rs2518622047, ClinGen allele CA410778331.